The following is an entry in ClinVar:

ClinVar aggregate classification (germline): Uncertain significance. Review status: criteria provided, multiple submitters, no conflicts (2 of 4 stars). 2 submissions from 2 submitters: Uncertain significance (2). Last evaluated 2023-02-23.

Conditions:
Developmental and epileptic encephalopathy, 48 (DEE48). Also called: Epileptic encephalopathy, early infantile, 48. Identifiers: MedGen C4310637, MONDO:0015000, OMIM 617276.

Submissions (2):

3billion
Classification: Uncertain significance for Developmental and epileptic encephalopathy, 48. Last evaluated: 2023-02-23. Review status: criteria provided, single submitter. Criteria: ACMG Guidelines, 2015. Collection method: clinical testing. Allele origin: unknown. Affected: yes.
Comment: The variant is not observed in the gnomAD v2.1.1 dataset. In silico tools predict the variant to alter splicing and produce an abnormal transcript (SpliceAI: 0.70). Therefore, this variant is classified as VUS according to the recommendation of ACMG/AMP guideline.

Labcorp Genetics (formerly Invitae), Labcorp
Classification: Uncertain significance. Last evaluated: 2022-09-30. Review status: criteria provided, single submitter. Criteria: Invitae Variant Classification Sherloc (09022015). Collection method: clinical testing. Allele origin: germline.
Comment: Variants that disrupt the consensus splice site are a relatively common cause of aberrant splicing (PMID: 17576681, 9536098). Algorithms developed to predict the effect of sequence changes on RNA splicing suggest that this variant may disrupt the consensus splice site. This variant has not been reported in the literature in individuals affected with AP3B2-related conditions. This variant is not present in population databases (gnomAD no frequency). This sequence change falls in intron 9 of the AP3B2 gene. It does not directly change the encoded amino acid sequence of the AP3B2 protein. It affects a nucleotide within the consensus splice site. In summary, the available evidence is currently insufficient to determine the role of this variant in disease. Therefore, it has been classified as a Variant of Uncertain Significance.

Literature cited by the submitters: PubMed 17576681 (cited by Labcorp Genetics (formerly Invitae), Labcorp); PubMed 9536098 (cited by Labcorp Genetics (formerly Invitae), Labcorp).

NM_001278512.2(AP3B2):c.1110+3G>C

Genes: AP3B2 (adaptor related protein complex 3 subunit beta 2; minus strand), CPEB1-AS1 (CPEB1 antisense RNA 1; plus strand). Cytogenetic location: 15q25.2.
Variant type: single nucleotide variant.
Coding change: c.1110+3G>C on transcript NM_001278512.2 (MANE Select); 3 bases into the intron after coding-DNA position 1110, G replaced by C.
Molecular consequence: intron variant.
Genome position (GRCh38, 1-based): chr15:82,680,172, C>G on the plus strand (G>C on the coding strand, the complement: AP3B2 is on the minus strand). VCF-style: chr15-82680172-C-G. GRCh37 (hg19) VCF-style: chr15-83348924-C-G.
Other names: c.1014+3G>C (NM_001278511.2); c.1110+3G>C (NM_004644.5).
Identifiers: ClinVar variation 2028169 (VCV002028169.5), dbSNP rs2548710730, ClinGen allele CA2580090089.